The following is an entry in ClinVar:

ClinVar aggregate classification (germline): Uncertain significance (1 of 4 stars; one submission).

Submission:

Labcorp Genetics (formerly Invitae), Labcorp
Classification: Uncertain significance. Last evaluated: 2025-06-12. Review status: criteria provided, single submitter. Criteria: Invitae Variant Classification Sherloc (09022015). Collection method: clinical testing. Allele origin: germline.
Comment: This sequence change replaces proline, which is neutral and non-polar, with serine, which is neutral and polar, at codon 338 of the SOX18 protein (p.Pro338Ser). This variant is not present in population databases (gnomAD no frequency). This variant has not been reported in the literature in individuals affected with SOX18-related conditions. Invitae Evidence Modeling of protein sequence and biophysical properties (such as structural, functional, and spatial information, amino acid conservation, physicochemical variation, residue mobility, and thermodynamic stability) indicates that this missense variant is not expected to disrupt SOX18 protein function with a negative predictive value of 80%. In summary, the available evidence is currently insufficient to determine the role of this variant in disease. Therefore, it has been classified as a Variant of Uncertain Significance.

NM_018419.3(SOX18):c.1012C>T (p.Pro338Ser)

Gene: SOX18 (SRY-box transcription factor 18; minus strand). Cytogenetic location: 20q13.33.
Variant type: single nucleotide variant.
Coding change: c.1012C>T on transcript NM_018419.3 (MANE Select); coding-DNA position 1012, C replaced by T.
Protein change: p.Pro338Ser; replaces proline 338 with serine.
Molecular consequence: missense variant.
Genome position (GRCh38, 1-based): chr20:64,048,309, G>A on the plus strand (C>T on the coding strand, the complement: SOX18 is on the minus strand). VCF-style: chr20-64048309-G-A. GRCh37 (hg19) VCF-style: chr20-62679662-G-A.
Other names: short protein forms P338S.
Identifiers: ClinVar variation 4780052 (VCV004780052.1).